The following is an entry in ClinVar:

NM_000525.4(KCNJ11):c.821A>G (p.Asp274Gly)

Gene: KCNJ11 (potassium inwardly rectifying channel subfamily J member 11; minus strand). Cytogenetic location: 11p15.1.
Variant type: single nucleotide variant.
Coding change: c.821A>G on transcript NM_000525.4 (MANE Select); coding-DNA position 821, A replaced by G.
Protein change: p.Asp274Gly; replaces aspartic acid 274 with glycine.
Molecular consequence: missense variant.
Genome position (GRCh38, 1-based): chr11:17,387,271, T>C on the plus strand (A>G on the coding strand, the complement: KCNJ11 is on the minus strand). VCF-style: chr11-17387271-T-C. GRCh37 (hg19) VCF-style: chr11-17408818-T-C.
Other names: c.560A>G, p.Asp187Gly (NM_001166290.2, NM_001377296.1, NM_001377297.1); short protein forms D274G, D187G.
Identifiers: ClinVar variation 193111 (VCV000193111.6), dbSNP rs794726888, ClinGen allele CA238619.

ClinVar aggregate classification (germline): Uncertain significance. Review status: criteria provided, multiple submitters, no conflicts (2 of 4 stars). 2 submissions from 2 submitters: Uncertain significance (2). Last evaluated 2014-07-01.

Conditions:
Maturity-onset diabetes of the young (MODY). Also called: Maturity onset diabetes mellitus in young. Identifiers: Orphanet 552, MedGen C0342276, MONDO:0018911, HP:0004904.

Allele frequency attached by ClinVar (database versions not stated): gnomAD exomes below 0.00001; TOPMed below 0.00001.

Submissions (2):

Eurofins Ntd Llc (ga)
Classification: Uncertain significance. Last evaluated: 2014-07-01. Review status: criteria provided, single submitter. Criteria: EGL Classification Definitions 2015. Collection method: clinical testing. Allele origin: germline. Observed: 1 variant allele, 1 heterozygote.

Clinical Genomics, Uppaluri K&H Personalized Medicine Clinic
Classification: Uncertain significance for Maturity-onset diabetes of the young. Review status: criteria provided, single submitter. Criteria: K & H Uppaluri Personalized Medicine Clinic Variant Classification & Assertion Criteria_Updated V.1. Collection method: research. Allele origin: somatic. Inheritance: Autosomal dominant inheritance.
Comment: Mutations in KCNJ11 gene can cause decreased production and secretion of insulin. This can lead to MODY which may be responsive to oral sulfonylureas. It is also associated with Neonatal Diabetes. However, no sufficient evidence is found to ascertain the role of this particular variant (rs794726888) in MODY yet.

Literature cited by the submitters: PubMed 26448950 (cited by Clinical Genomics, Uppaluri K&H Personalized Medicine Clinic); PubMed 15580558 (cited by Clinical Genomics, Uppaluri K&H Personalized Medicine Clinic); PubMed 15718250 (cited by Clinical Genomics, Uppaluri K&H Personalized Medicine Clinic); PubMed 32935446 (cited by Clinical Genomics, Uppaluri K&H Personalized Medicine Clinic); PubMed 22701567 (cited by Clinical Genomics, Uppaluri K&H Personalized Medicine Clinic).